The following is an entry in ClinVar:

ClinVar aggregate classification (germline): Pathogenic (1 of 4 stars; one submission).

Conditions:
Xeroderma pigmentosum, group C (XPC). Also called: XERODERMA PIGMENTOSUM III; XP, GROUP C; XPC-Related Xeroderma Pigmentosum; Xeroderma pigmentosum, complementation group C. Identifiers: Orphanet 910, MedGen C2752147, MONDO:0010211, OMIM 278720.

Submission:

Kasturba Medical College, Manipal, Kasturba Medical College, Manipal, Manipal Academy of Higher Education, Manipal, India
Classification: Pathogenic for Xeroderma pigmentosum, group C. Review status: criteria provided, single submitter. Criteria: ACMG Guidelines, 2015. Collection method: research. Allele origin: paternal. Inheritance: Autosomal recessive inheritance. Affected: yes. Observed: 1 heterozygote.
Comment: This variant is not observed in homozygous and/or heterozygous state in gnomAD (v4.1.0) population database and our in-house database of 3464 individuals.

NM_004628.5(XPC):c.398G>A (p.Trp133Ter)

Gene: XPC (XPC complex subunit, DNA damage recognition and repair factor; minus strand). Cytogenetic location: 3p25.1.
Variant type: single nucleotide variant.
Coding change: c.398G>A on transcript NM_004628.5 (MANE Select); coding-DNA position 398, G replaced by A.
Protein change: p.Trp133Ter; replaces tryptophan 133 with a stop codon.
Molecular consequence: nonsense. On other transcripts: non-coding transcript variant (2), 5 prime UTR variant (1).
Genome position (GRCh38, 1-based): chr3:14,170,452, C>T on the plus strand (G>A on the coding strand, the complement: XPC is on the minus strand). VCF-style: chr3-14170452-C-T. GRCh37 (hg19) VCF-style: chr3-14211952-C-T.
Other names: c.398G>A, p.Trp133Ter (NM_001354730.2, NM_001354727.2); c.-58G>A (NM_001354726.2); c.380G>A, p.Trp127Ter (NM_001354729.2); short protein forms W127*, W133*.
Identifiers: ClinVar variation 3893193 (VCV003893193.1).